The following is an entry in ClinVar:

ClinVar aggregate classification (germline): Likely pathogenic (1 of 4 stars; one submission).

Conditions:
Coffin-Lowry syndrome (CLS). Also called: Mental retardation with osteocartilaginous abnormalities; COFFIN-LOWRY SYNDROME, MILD. Identifiers: Orphanet 192, MedGen C0265252, MONDO:0010561, OMIM 303600.

Submission:

Institute of Human Genetics, Clinical Exome/Genome Diagnostics Group, University Hospital Bonn
Classification: Likely pathogenic for Coffin-Lowry syndrome. Last evaluated: 2022-01-14. Review status: criteria provided, single submitter. Criteria: ACMG Guidelines, 2015. Collection method: clinical testing. Allele origin: germline. Affected: yes.
Comment: PVS1, PM2

NM_004586.3(RPS6KA3):c.1022del (p.His341fs)

Gene: RPS6KA3 (ribosomal protein S6 kinase A3; minus strand). Cytogenetic location: Xp22.12.
Variant type: Deletion.
Coding change: c.1022del on transcript NM_004586.3 (MANE Select); coding-DNA position 1022, one base deleted (A; older notation c.1022delA).
Protein change: p.His341fs; shifts the reading frame from histidine 341.
Molecular consequence: frameshift variant.
Genome position (GRCh38, 1-based): chrX:20,176,330, T deleted on the plus strand (A on the coding strand, the reverse complement: RPS6KA3 is on the minus strand). VCF-style (leftmost placement, unchanged base first): chrX-20176329-AT-A. GRCh37 (hg19) VCF-style: chrX-20194447-AT-A.
Other names: short protein forms H341fs.
Identifiers: ClinVar variation 1343242 (VCV001343242.1), dbSNP rs2148664069, ClinGen allele CA2573055212.